The following is an entry in ClinVar:

ClinVar aggregate classification (germline): Benign/Likely benign. Review status: criteria provided, multiple submitters, no conflicts (2 of 4 stars). 6 submissions from 6 submitters: Benign (3); Likely benign (3). Last evaluated 2026-01-24.

Conditions:
Nephronophthisis. Also called: Juvenile Nephronophthisis. Identifiers: Orphanet 655, MedGen C0687120, MONDO:0019005, HP:0000090.
Nephronophthisis 7 (NPHP7). Identifiers: Orphanet 655, MedGen C1969092, MONDO:0012680, OMIM 611498.

Allele frequency attached by ClinVar (database versions not stated): gnomAD exomes 0.00092 and 0.00176; ExAC 0.00237; ESP Exome Variant Server 0.00558; gnomAD 0.00852 and 0.00923; 1000 Genomes Project 0.00879; 1000 Genomes Project 30x 0.00890; TOPMed 0.00965.
gnomAD v4.1: 2,638 of 1,547,636 alleles (0.17%); highest among the groups gnomAD compares: African/African-American, 3%; 40 homozygotes.

Submissions (6):

Labcorp Genetics (formerly Invitae), Labcorp
Classification: Benign for Nephronophthisis. Last evaluated: 2026-01-24. Review status: criteria provided, single submitter. Criteria: Invitae Variant Classification Sherloc (09022015). Collection method: clinical testing. Allele origin: germline.

Mayo Clinic Laboratories, Mayo Clinic
Classification: Likely benign. Last evaluated: 2025-06-26. Review status: criteria provided, single submitter. Criteria: ACMG Guidelines, 2015. Collection method: clinical testing. Allele origin: germline. Observed: 1 variant allele.
Comment: BS1, BP4_moderate

GeneDx
Classification: Likely benign. Last evaluated: 2024-03-25. Review status: criteria provided, single submitter. Criteria: GeneDx Variant Classification Process June 2021. Collection method: clinical testing. Allele origin: germline. Affected: yes.
Comment: See Variant Classification Assertion Criteria.

Genetic Services Laboratory, University of Chicago
Classification: Benign. Last evaluated: 2021-06-28. Review status: criteria provided, single submitter. Criteria: ACMG Guidelines, 2015. Collection method: clinical testing. Allele origin: germline. Affected: no.

Illumina Laboratory Services, Illumina
Classification: Benign for Nephronophthisis 7. Last evaluated: 2018-01-12. Review status: criteria provided, single submitter. Criteria: ICSL Variant Classification Criteria 13 December 2019. Collection method: clinical testing. Allele origin: germline.
Comment: This variant was observed in the ICSL laboratory as part of a predisposition screen in an ostensibly healthy population. It had not been previously curated by ICSL or reported in the Human Gene Mutation Database (HGMD: prior to June 1st, 2018), and was therefore a candidate for classification through an automated scoring system. Utilizing variant allele frequency, disease prevalence and penetrance estimates, and inheritance mode, an automated score was calculated to assess if this variant is too frequent to cause the disease. Based on the score and internal cut-off values, a variant classified as benign is not then subjected to further curation. The score for this variant resulted in a classification of benign for this disease.

Breakthrough Genomics
Classification: Likely benign. Review status: criteria provided, single submitter. Criteria: ACMG Guidelines, 2015. Collection method: not provided. Allele origin: germline. Inheritance: Unknown mechanism. Affected: yes.

Literature cited by the submitters: PubMed 36075934 (cited by Mayo Clinic Laboratories, Mayo Clinic).

NM_032575.3(GLIS2):c.1259C>T (p.Pro420Leu)

Gene: GLIS2 (GLIS family zinc finger 2; plus strand). Cytogenetic location: 16p13.3.
Variant type: single nucleotide variant.
Coding change: c.1259C>T on transcript NM_032575.3 (MANE Select); coding-DNA position 1259, C replaced by T.
Protein change: p.Pro420Leu; replaces proline 420 with leucine.
Molecular consequence: missense variant.
Genome position (GRCh38, 1-based): chr16:4,337,208, C>T. VCF-style: chr16-4337208-C-T. GRCh37 (hg19) VCF-style: chr16-4387209-C-T.
Other names: p.Pro420Leu; c.1259C>T, p.Pro420Leu (NM_001318918.2); short protein forms P420L.
Identifiers: ClinVar variation 220093 (VCV000220093.23), dbSNP rs75495782, ClinGen allele CA348042.